The following is an entry in ClinVar:

NM_001844.5(COL2A1):c.109del (p.Asp37fs)

Gene: COL2A1 (collagen type II alpha 1 chain; minus strand). Cytogenetic location: 12q13.11.
Variant type: Deletion.
Coding change: c.109del on transcript NM_001844.5 (MANE Select); coding-DNA position 109, one base deleted (G; older notation c.109delG).
Protein change: p.Asp37fs; shifts the reading frame from aspartic acid 37.
Molecular consequence: frameshift variant. On other transcripts: intron variant (1).
Genome position (GRCh38, 1-based): chr12:48,000,102, C deleted on the plus strand (G on the coding strand, the reverse complement: COL2A1 is on the minus strand); the first of 2 consecutive C bases (chr12:48,000,102-48,000,103); deleting either gives the same sequence. VCF-style (leftmost placement, unchanged base first): chr12-48000101-TC-T. GRCh37 (hg19) VCF-style: chr12-48393884-TC-T.
Other names: c.86-1671del (NM_033150.3); short protein forms D37fs.
Identifiers: ClinVar variation 3728956 (VCV003728956.2).

ClinVar aggregate classification (germline): Pathogenic (1 of 4 stars; one submission).

Submission:

Labcorp Genetics (formerly Invitae), Labcorp
Classification: Pathogenic. Last evaluated: 2025-01-20. Review status: criteria provided, single submitter. Criteria: Invitae Variant Classification Sherloc (09022015). Collection method: clinical testing. Allele origin: germline.
Comment: This sequence change creates a premature translational stop signal (p.Asp37Metfs*31) in the COL2A1 gene. It is expected to result in an absent or disrupted protein product. Loss-of-function variants in COL2A1 are known to be pathogenic (PMID: 20179744). This variant is not present in population databases (gnomAD no frequency). This variant has not been reported in the literature in individuals affected with COL2A1-related conditions. For these reasons, this variant has been classified as Pathogenic.

Literature cited by the submitters: PubMed 20179744.